The following is an entry in ClinVar:

NM_052859.4(RFT1):c.64-14C>T

Gene: RFT1 (RFT1 glycolipid translocator homolog; minus strand). Cytogenetic location: 3p21.1.
Variant type: single nucleotide variant.
Coding change: c.64-14C>T on transcript NM_052859.4 (MANE Select); 14 bases into the intron before coding-DNA position 64, C replaced by T.
Molecular consequence: intron variant.
Genome position (GRCh38, 1-based): chr3:53,126,008, G>A on the plus strand (C>T on the coding strand, the complement: RFT1 is on the minus strand). VCF-style: chr3-53126008-G-A. GRCh37 (hg19) VCF-style: chr3-53160024-G-A.
Identifiers: ClinVar variation 346200 (VCV000346200.13), dbSNP rs78419624, ClinGen allele CA2451565.

ClinVar aggregate classification (germline): Benign/Likely benign. Review status: criteria provided, multiple submitters, no conflicts (2 of 4 stars). 4 submissions from 4 submitters: Benign (2); Likely benign (2). Last evaluated 2026-01-31.

Conditions:
RFT1-congenital disorder of glycosylation (CDG1N). Also called: CDG In; RFT1-CDG; Congenital disorder of glycosylation type In. Identifiers: Orphanet 244310, MedGen C2677590, MONDO:0012783, OMIM 612015.

Allele frequency attached by ClinVar (database versions not stated): gnomAD exomes 0.00149 and 0.00399; ExAC 0.00594; gnomAD 0.01456; ESP Exome Variant Server 0.01692; TOPMed 0.01749; 1000 Genomes Project 30x 0.02202; 1000 Genomes Project 0.02276.
gnomAD v4.1: 4,610 of 1,586,688 alleles (0.29%); highest among the groups gnomAD compares: African/African-American, 5.6%; 121 homozygotes.

Submissions (4):

Labcorp Genetics (formerly Invitae), Labcorp
Classification: Benign for RFT1-congenital disorder of glycosylation. Last evaluated: 2026-01-31. Review status: criteria provided, single submitter. Criteria: Invitae Variant Classification Sherloc (09022015). Collection method: clinical testing. Allele origin: germline.

Illumina Laboratory Services, Illumina
Classification: Likely benign for RFT1-congenital disorder of glycosylation. Last evaluated: 2017-04-27. Review status: criteria provided, single submitter. Criteria: ICSL Variant Classification Criteria 13 December 2019. Collection method: clinical testing. Allele origin: germline.
Comment: This variant was observed as part of a predisposition screen in an ostensibly healthy population. A literature search was performed for the gene, cDNA change, and amino acid change (where applicable). No publications were found based on this search. Allele frequency data from public databases allowed determination this variant is unlikely to cause disease. Therefore, this variant is classified as likely benign.

GeneDx
Classification: Benign. Last evaluated: 2016-02-15. Review status: criteria provided, single submitter. Criteria: GeneDx Variant Classification (06012015). Collection method: clinical testing. Allele origin: germline. Affected: yes.
Comment: This variant is considered likely benign or benign based on one or more of the following criteria: it is a conservative change, it occurs at a poorly conserved position in the protein, it is predicted to be benign by multiple in silico algorithms, and/or has population frequency not consistent with disease.

Breakthrough Genomics
Classification: Likely benign. Review status: criteria provided, single submitter. Criteria: ACMG Guidelines, 2015. Collection method: not provided. Allele origin: germline. Inheritance: Autosomal recessive inheritance. Affected: yes.